The following is an entry in ClinVar:

NM_015047.3(EMC1):c.1751C>G (p.Pro584Arg)

Genes: EMC1 (ER membrane protein complex subunit 1; minus strand), EMC1-AS1 (EMC1 antisense RNA 1; plus strand). Cytogenetic location: 1p36.13.
Variant type: single nucleotide variant.
Coding change: c.1751C>G on transcript NM_015047.3 (MANE Select); coding-DNA position 1751, C replaced by G.
Protein change: p.Pro584Arg; replaces proline 584 with arginine.
Molecular consequence: missense variant.
Genome position (GRCh38, 1-based): chr1:19,232,655, G>C on the plus strand (C>G on the coding strand, the complement: EMC1 is on the minus strand). VCF-style: chr1-19232655-G-C. GRCh37 (hg19) VCF-style: chr1-19559149-G-C.
Other names: c.1748C>G, p.Pro583Arg (NM_001271427.2, NM_001271428.2); c.1685C>G, p.Pro562Arg (NM_001271429.2); c.1760C>G, p.Pro587Arg (NM_001375820.1); c.1757C>G, p.Pro586Arg (NM_001375821.1); c.1751C>G (NM_015047.2); short protein forms P583R, P584R, P562R, P586R, P587R.
Identifiers: ClinVar variation 801455 (VCV000801455.3), dbSNP rs1553252938, ClinGen allele CA338760489.
Genomic context (GRCh38, chr1:19,232,655, plus strand): 5'-CTGGCTCAAGTCAGAGCTGGATGCCTCACCTTGTCCTTCACCAGCAGGGTGCACTGTGGG[G>C]GATGGGGGAAATGAGCAGTAGTTCTCTGGACCATCAGTTTAAAGGAGGAGTCTGGCTTGA-3'
Protein context (NP_055862.1, residues 574-594): VQRTTAHFPH[Pro584Arg]PQCTLLVKDK

ClinVar aggregate classification (germline): Conflicting classifications of pathogenicity. Review status: criteria provided, conflicting classifications (1 of 4 stars). 3 submissions from 3 submitters: Likely pathogenic (1); Uncertain significance (2). Last evaluated 2024-01-17.

Conditions:
Cerebellar atrophy, visual impairment, and psychomotor retardation;. Also called: Cerebellar atrophy, visual impairment, and psychomotor retardation. Identifiers: MedGen C4225172, MONDO:0014811, OMIM 616875.

Submissions (3):

GeneDx
Classification: Uncertain significance. Last evaluated: 2024-01-17. Review status: criteria provided, single submitter. Criteria: GeneDx Variant Classification Process June 2021. Collection method: clinical testing. Allele origin: germline. Affected: yes.
Comment: Not observed at significant frequency in large population cohorts (gnomAD); In silico analysis supports that this missense variant has a deleterious effect on protein structure/function; Has not been previously published as pathogenic or benign to our knowledge

New York Genome Center
Classification: Uncertain significance for Cerebellar atrophy, visual impairment, and psychomotor retardation;. Last evaluated: 2023-05-11. Review status: criteria provided, single submitter. Criteria: NYGC Assertion Criteria 2020. Collection method: clinical testing. Allele origin: de novo. Observed: 1 compound heterozygote.
Comment: The c.1751C>G variant in EMC1 has not previously been reported in the literature and it has been deposited in ClinVar [ClinVar ID: 801455] as a Likely Pathogenic with cerebellar atrophy, visual impairment, and psychomotor retardation phenotype. The c.1751C>G variant is absent from population databases (gnomAD v2.1.1 and v3.1.2,TOPMed Freeze 8), suggesting it is not a common benign variant in the populations represented in those databases. The c.1751C>G variant is located in exon 15 of this 23-exon gene and is predicted to replace an evolutionary conserved proline amino acid with arginine at position 584 (p.(Pro584Arg)) in the beta-propeller domain of the protein [PMID: 35234901]. In silico predictions for p.(Pro584Arg) are inconclusive of the variant's effect [(CADD v1.6 = 28.4, REVEL = 0.438)]; however, there are no functional studies to support or refute these predictions. Based on available evidence this de novo c.1751C>G p.(Pro584Arg) variant identified in EMC1 is classified as a Variant of Uncertain Significance.

Mendelics
Classification: Likely pathogenic for Cerebellar atrophy, visual impairment, and psychomotor retardation;. Last evaluated: 2019-05-28. Review status: criteria provided, single submitter. Criteria: Mendelics Assertion Criteria 2017. Collection method: clinical testing. Allele origin: unknown.